The following is an entry in ClinVar:

NM_024675.4(PALB2):c.2164G>C (p.Asp722His)

Gene: PALB2 (partner and localizer of BRCA2; minus strand). Cytogenetic location: 16p12.2.
Variant type: single nucleotide variant.
Coding change: c.2164G>C on transcript NM_024675.4 (MANE Select); coding-DNA position 2164, G replaced by C.
Protein change: p.Asp722His; replaces aspartic acid 722 with histidine.
Molecular consequence: missense variant.
Genome position (GRCh38, 1-based): chr16:23,629,990, C>G on the plus strand (G>C on the coding strand, the complement: PALB2 is on the minus strand). VCF-style: chr16-23629990-C-G. GRCh37 (hg19) VCF-style: chr16-23641311-C-G.
Other names: c.2164G>C, p.Asp722His (NM_001407301.1, NM_001407302.1, NM_001407297.1 and 3 more transcripts); c.1279G>C, p.Asp427His (NM_001407307.1, NM_001407308.1, NM_001407304.1 and 5 more transcripts); c.2104G>C, p.Asp702His (NM_001407296.1); c.376G>C, p.Asp126His (NM_001407312.1, NM_001407313.1); short protein forms D126H, D427H, D702H, D722H.
Identifiers: ClinVar variation 1786964 (VCV001786964.5), dbSNP rs1555460464, ClinGen allele CA395125667.

ClinVar aggregate classification (germline): Uncertain significance. Review status: criteria provided, multiple submitters, no conflicts (2 of 4 stars). 2 submissions from 2 submitters: Uncertain significance (2). Last evaluated 2025-10-02.

Conditions:
Hereditary cancer-predisposing syndrome. Also called: Neoplastic Syndromes, Hereditary; Tumor predisposition; Hereditary Cancer Syndrome; Hereditary neoplastic syndrome. Identifiers: Orphanet 140162, MedGen C0027672, MeSH D009386, MONDO:0015356.
Familial cancer of breast. Also called: BREAST CANCER, FAMILIAL; Hereditary breast cancer; hereditary breast carcinoma. Identifiers: Orphanet 227535, MedGen C0346153, MONDO:0016419, OMIM 114480. Disease mechanism: loss of function.

Submissions (2):

Labcorp Genetics (formerly Invitae), Labcorp
Classification: Uncertain significance for Familial cancer of breast. Last evaluated: 2025-10-02. Review status: criteria provided, single submitter. Criteria: Invitae Variant Classification Sherloc (09022015). Collection method: clinical testing. Allele origin: germline.
Comment: This sequence change replaces aspartic acid, which is acidic and polar, with histidine, which is basic and polar, at codon 722 of the PALB2 protein (p.Asp722His). This variant is not present in population databases (gnomAD no frequency). This variant has not been reported in the literature in individuals affected with PALB2-related conditions. ClinVar contains an entry for this variant (Variation ID: 1786964). Invitae Evidence Modeling of protein sequence and biophysical properties (such as structural, functional, and spatial information, amino acid conservation, physicochemical variation, residue mobility, and thermodynamic stability) indicates that this missense variant is not expected to disrupt PALB2 protein function with a negative predictive value of 80%. In summary, the available evidence is currently insufficient to determine the role of this variant in disease. Therefore, it has been classified as a Variant of Uncertain Significance.

Ambry Genetics
Classification: Uncertain significance for Hereditary cancer-predisposing syndrome. Last evaluated: 2021-10-04. Review status: criteria provided, single submitter. Criteria: Ambry Variant Classification Scheme 2023. Collection method: clinical testing. Allele origin: germline.
Comment: The p.D722H variant (also known as c.2164G>C), located in coding exon 5 of the PALB2 gene, results from a G to C substitution at nucleotide position 2164. The aspartic acid at codon 722 is replaced by histidine, an amino acid with similar properties. This amino acid position is poorly conserved in available vertebrate species. In addition, this alteration is predicted to be tolerated by in silico analysis. Since supporting evidence is limited at this time, the clinical significance of this alteration remains unclear.